The following is an entry in ClinVar:

ClinVar aggregate classification (germline): Uncertain significance. Review status: criteria provided, multiple submitters, no conflicts (2 of 4 stars). 2 submissions from 2 submitters: Uncertain significance (2). Last evaluated 2025-03-05.

Allele frequency attached by ClinVar (database versions not stated): gnomAD exomes 0.00001; ExAC 0.00002.
gnomAD v4.1: 20 of 1,613,822 alleles (0.0012%); highest among the groups gnomAD compares: Non-Finnish European, 0.0016%; no homozygotes.

Submissions (2):

Ambry Genetics
Classification: Uncertain significance. Last evaluated: 2025-03-05. Review status: criteria provided, single submitter. Criteria: Ambry Variant Classification Scheme 2023. Collection method: clinical testing. Allele origin: germline.

Labcorp Genetics (formerly Invitae), Labcorp
Classification: Uncertain significance. Last evaluated: 2023-04-11. Review status: criteria provided, single submitter. Criteria: Invitae Variant Classification Sherloc (09022015). Collection method: clinical testing. Allele origin: germline.
Comment: In summary, the available evidence is currently insufficient to determine the role of this variant in disease. Therefore, it has been classified as a Variant of Uncertain Significance. An algorithm developed to predict the effect of missense changes on protein structure and function (PolyPhen-2) suggests that this variant is likely to be tolerated. This variant has not been reported in the literature in individuals affected with ZNF143-related conditions. This variant is present in population databases (rs781091191, gnomAD 0.003%). This sequence change replaces isoleucine, which is neutral and non-polar, with valine, which is neutral and non-polar, at codon 511 of the ZNF143 protein (p.Ile511Val).

NM_003442.6(ZNF143):c.1531A>G (p.Ile511Val)

Gene: ZNF143 (zinc finger protein 143; plus strand). Cytogenetic location: 11p15.4.
Variant type: single nucleotide variant.
Coding change: c.1531A>G on transcript NM_003442.6 (MANE Select); coding-DNA position 1531, A replaced by G.
Protein change: p.Ile511Val; replaces isoleucine 511 with valine.
Molecular consequence: missense variant.
Genome position (GRCh38, 1-based): chr11:9,516,207, A>G. VCF-style: chr11-9516207-A-G. GRCh37 (hg19) VCF-style: chr11-9537754-A-G.
Other names: c.1528A>G, p.Ile510Val (NM_001282656.2); c.1438A>G, p.Ile480Val (NM_001282657.2); c.1531A>G (NM_003442.5); short protein forms I480V, I511V, I510V.
Identifiers: ClinVar variation 2983421 (VCV002983421.4), dbSNP rs781091191, ClinGen allele CA5879667.
Genomic context (GRCh38, chr11:9,516,207, plus strand): 5'-TTGTCAGCTATAACAAGAAACATTGACTGCTTTGTAAAATTCACTGTATTGCAGGTCAAC[A>G]TATCTCAAGCTGACATGCAGGCCATTGGCAACACCATCACAATGGTAACGCAGGATGGCA-3'
Protein context (NP_003433.3, residues 501-521): ISQDGTQHVN[Ile511Val]SQADMQAIGN